The following is an entry in ClinVar:

NM_152296.5(ATP1A3):c.1705A>G (p.Thr569Ala)

Gene: ATP1A3 (ATPase Na+/K+ transporting subunit alpha 3; minus strand). Cytogenetic location: 19q13.2.
Variant type: single nucleotide variant.
Coding change: c.1705A>G on transcript NM_152296.5 (MANE Select); coding-DNA position 1705, A replaced by G.
Protein change: p.Thr569Ala; replaces threonine 569 with alanine.
Molecular consequence: missense variant.
Genome position (GRCh38, 1-based): chr19:41,978,252, T>C on the plus strand (A>G on the coding strand, the complement: ATP1A3 is on the minus strand). VCF-style: chr19-41978252-T-C. GRCh37 (hg19) VCF-style: chr19-42482404-T-C.
Other names: c.1744A>G, p.Thr582Ala (NM_001256214.2); c.1738A>G, p.Thr580Ala (NM_001256213.2); short protein forms T580A, T582A, T569A.
Identifiers: ClinVar variation 648229 (VCV000648229.3), dbSNP rs1555862136, ClinGen allele CA406045791.

ClinVar aggregate classification (germline): Uncertain significance (1 of 4 stars; one submission).

Conditions:
Dystonia 12 (DYT12). Also called: Rapid-Onset Dystonia-Parkinsonism (RDP); DYT-ATP1A3. Identifiers: Orphanet 71517, MedGen C1868681, MONDO:0007496, OMIM 128235.

Allele frequency attached by ClinVar (database versions not stated): gnomAD exomes below 0.00001 and 0.00001.
gnomAD v4.1: 2 of 1,613,934 alleles (0.00012%); highest among the groups gnomAD compares: Admixed American, 0.0033%; no homozygotes.

Submission:

Labcorp Genetics (formerly Invitae), Labcorp
Classification: Uncertain significance for Dystonia 12. Last evaluated: 2024-12-08. Review status: criteria provided, single submitter. Criteria: Invitae Variant Classification Sherloc (09022015). Collection method: clinical testing. Allele origin: germline.
Comment: This sequence change replaces threonine, which is neutral and polar, with alanine, which is neutral and non-polar, at codon 569 of the ATP1A3 protein (p.Thr569Ala). This variant is present in population databases (no rsID available, gnomAD 0.006%). This variant has not been reported in the literature in individuals affected with ATP1A3-related conditions. ClinVar contains an entry for this variant (Variation ID: 648229). Invitae Evidence Modeling of protein sequence and biophysical properties (such as structural, functional, and spatial information, amino acid conservation, physicochemical variation, residue mobility, and thermodynamic stability) indicates that this missense variant is not expected to disrupt ATP1A3 protein function with a negative predictive value of 95%. In summary, the available evidence is currently insufficient to determine the role of this variant in disease. Therefore, it has been classified as a Variant of Uncertain Significance.